The following is an entry in ClinVar:

ClinVar aggregate classification (germline): Likely benign. Review status: reviewed by expert panel (3 of 4 stars). 3 submissions from 3 submitters: Likely benign (1). 2 of the submissions do not count toward it. Last evaluated 2017-06-29.

Conditions:
Hereditary cancer-predisposing syndrome. Also called: Tumor predisposition; Hereditary Cancer Syndrome; Hereditary neoplastic syndrome; Neoplastic Syndromes, Hereditary. Identifiers: Orphanet 140162, MedGen C0027672, MeSH D009386, MONDO:0015356.
Hereditary breast ovarian cancer syndrome. Also called: Breast and ovarian cancer; Hereditary breast and ovarian cancer syndrome; Hereditary breast and ovarian cancer; BRCA1- and BRCA2-Associated Hereditary Breast and Ovarian Cancer; Hereditary breast and ovarian cancer syndrome (HBOC); Hereditary breast and/or ovarian cancer syndrome. Identifiers: Orphanet 145, MedGen C0677776, MeSH D061325, MONDO:0003582. Disease mechanism: loss of function.
Breast-ovarian cancer, familial, susceptibility to, 2 (BROVCA2). Also called: BRCA2 Hereditary Breast and Ovarian Cancer. Identifiers: Orphanet 145, MedGen C2675520, MONDO:0012933, OMIM 612555. Disease mechanism: loss of function.

Allele frequency attached by ClinVar (database versions not stated): gnomAD exomes 0.00001.
gnomAD v4.1: 3 of 1,614,198 alleles (0.00019%); highest among the groups gnomAD compares: East Asian, 0.0067%; no homozygotes.

Submissions (3):

Evidence-based Network for the Interpretation of Germline Mutant Alleles (ENIGMA)
Classification: Likely benign for Breast-ovarian cancer, familial, susceptibility to, 2. Last evaluated: 2017-06-29. Review status: reviewed by expert panel. Criteria: ENIGMA BRCA1/2 Classification Criteria (2017-06-29). Collection method: curation. Allele origin: germline.
Comment: Synonymous substitution variant, with low bioinformatic likelihood to result in a splicing aberration (Splicing prior probability 0.02).

Labcorp Genetics (formerly Invitae), Labcorp
Classification: Likely benign for Hereditary breast ovarian cancer syndrome. Last evaluated: 2022-01-06. Review status: criteria provided, single submitter. Criteria: Invitae Variant Classification Sherloc (09022015). Collection method: clinical testing. Allele origin: germline. Not counted in ClinVar's aggregate classification.

Ambry Genetics
Classification: Likely benign for Hereditary cancer-predisposing syndrome. Last evaluated: 2014-06-04. Review status: criteria provided, single submitter. Criteria: Ambry Variant Classification Scheme 2023. Collection method: clinical testing. Allele origin: germline. Not counted in ClinVar's aggregate classification.

NM_000059.4(BRCA2):c.8247G>A (p.Gln2749=)

Gene: BRCA2 (BRCA2 DNA repair associated; plus strand). Cytogenetic location: 13q13.1.
Variant type: single nucleotide variant.
Coding change: c.8247G>A on transcript NM_000059.4 (MANE Select); coding-DNA position 8247, G replaced by A.
Protein change: p.Gln2749=; no amino-acid change (glutamine 2749 retained).
Molecular consequence: synonymous variant.
Genome position (GRCh38, 1-based): chr13:32,363,449, G>A. VCF-style: chr13-32363449-G-A. GRCh37 (hg19) VCF-style: chr13-32937586-G-A.
Identifiers: ClinVar variation 185291 (VCV000185291.16), dbSNP rs786202060, ClinGen allele CA025538.